The following is an entry in ClinVar:

NM_005577.4(LPA):c.2604-1G>C

Gene: LPA (lipoprotein(a); minus strand). Cytogenetic location: 6q26.
Variant type: single nucleotide variant.
Coding change: c.2604-1G>C on transcript NM_005577.4 (MANE Select); the canonical splice acceptor site of the intron before coding-DNA position 2604, G replaced by C.
Molecular consequence: splice acceptor variant.
Genome position (GRCh38, 1-based): chr6:160,606,659, C>G on the plus strand (G>C on the coding strand, the complement: LPA is on the minus strand). VCF-style: chr6-160606659-C-G. GRCh37 (hg19) VCF-style: chr6-161027691-C-G.
Identifiers: ClinVar variation 560293 (VCV000560293.3), dbSNP rs1287761737, ClinGen allele CA366354307.

ClinVar aggregate classification (germline): Uncertain significance (1 of 4 stars; one submission).

Allele frequency attached by ClinVar (database versions not stated): gnomAD exomes below 0.00001; TOPMed below 0.00001.
gnomAD v4.1: 2 of 1,614,002 alleles (0.00012%); highest among the groups gnomAD compares: Non-Finnish European, 0.00017%; no homozygotes.

Submission:

Geisinger Autism and Developmental Medicine Institute, Geisinger Health System
Classification: Uncertain significance. Last evaluated: 2017-10-18. Review status: criteria provided, single submitter. Criteria: ACMG Guidelines, 2015. Collection method: provider interpretation, clinical testing. Allele origin: unknown. Observed: 1 variant allele.
Comment: Inheritance of the variant is unknown, as a paternal sample is unavailable. This splice site variant destroys the canonical splice acceptor site in intron 17, and is predicted to cause abnormal gene splicing. The variant is absent from population databases.

Literature cited by the submitters: PubMed 20032323; PubMed 17569884; PubMed 23685560.